The following is an entry in ClinVar:

ClinVar aggregate classification (germline): Conflicting classifications of pathogenicity. Review status: criteria provided, conflicting classifications (1 of 4 stars). 3 submissions from 3 submitters: Uncertain significance (2); Likely benign (1). Last evaluated 2026-02-11.

Conditions:
MAGEL2-related disorder. Also called: MAGEL2-related condition.
Inborn genetic diseases. Identifiers: MedGen C0950123, MeSH D030342.

Allele frequency attached by ClinVar (database versions not stated): TOPMed 0.00003; gnomAD 0.00005.

Submissions (3):

PreventionGenetics, part of Exact Sciences
Classification: Uncertain significance for MAGEL2-related condition. Last evaluated: 2026-02-11. Review status: criteria provided, single submitter. Criteria: ACMG Guidelines, 2015. Collection method: clinical testing. Allele origin: germline.
Comment: The MAGEL2 c.224C>T variant is predicted to result in the amino acid substitution p.Pro75Leu. To our knowledge, this variant has not been reported in the literature. This variant is reported in 0.033% of alleles in individuals of Latino descent in gnomAD. At this time, the clinical significance of this variant is uncertain due to the absence of conclusive functional and genetic evidence.

Ambry Genetics
Classification: Likely benign for Inborn genetic diseases. Last evaluated: 2023-03-20. Review status: criteria provided, single submitter. Criteria: Ambry Variant Classification Scheme 2023. Collection method: clinical testing. Allele origin: germline.

Labcorp Genetics (formerly Invitae), Labcorp
Classification: Uncertain significance. Last evaluated: 2022-06-10. Review status: criteria provided, single submitter. Criteria: Invitae Variant Classification Sherloc (09022015). Collection method: clinical testing. Allele origin: germline.
Comment: This sequence change replaces proline, which is neutral and non-polar, with leucine, which is neutral and non-polar, at codon 75 of the MAGEL2 protein (p.Pro75Leu). This variant is present in population databases (no rsID available, gnomAD 0.03%). This variant has not been reported in the literature in individuals affected with MAGEL2-related conditions. Experimental studies and prediction algorithms are not available or were not evaluated, and the functional significance of this variant is currently unknown. In summary, the available evidence is currently insufficient to determine the role of this variant in disease. Therefore, it has been classified as a Variant of Uncertain Significance.

NM_019066.5(MAGEL2):c.224C>T (p.Pro75Leu)

Gene: MAGEL2 (MAGE family member L2; minus strand). Cytogenetic location: 15q11.2.
Variant type: single nucleotide variant.
Coding change: c.224C>T on transcript NM_019066.5 (MANE Select); coding-DNA position 224, C replaced by T.
Protein change: p.Pro75Leu; replaces proline 75 with leucine.
Molecular consequence: missense variant.
Genome position (GRCh38, 1-based): chr15:23,647,519, G>A on the plus strand (C>T on the coding strand, the complement: MAGEL2 is on the minus strand). VCF-style: chr15-23647519-G-A. GRCh37 (hg19) VCF-style: chr15-23892666-G-A.
Other names: c.224C>T (NM_019066.4); short protein forms P75L.
Identifiers: ClinVar variation 1985783 (VCV001985783.9), dbSNP rs1033251181, ClinGen allele CA267661754.